The following is an entry in ClinVar:

ClinVar aggregate classification (germline): Conflicting classifications of pathogenicity. Review status: criteria provided, conflicting classifications (1 of 4 stars). 2 submissions from 2 submitters: Likely pathogenic (1); Uncertain significance (1). Last evaluated 2021-03-31.

Conditions:
Glycogen storage disease IXa1. Also called: LIVER GLYCOGENOSIS, X-LINKED, TYPE I; GLYCOGEN STORAGE DISEASE VIII; GSD VIII; Glycogen storage disease 8. Identifiers: Orphanet 264580, MedGen C3694531, MONDO:0010598, OMIM 306000.

Submissions (2):

Labcorp Genetics (formerly Invitae), Labcorp
Classification: Uncertain significance for Glycogen storage disease IXa1. Last evaluated: 2021-03-31. Review status: criteria provided, single submitter. Criteria: Invitae Variant Classification Sherloc (09022015). Collection method: clinical testing. Allele origin: germline.
Comment: In summary, the available evidence is currently insufficient to determine the role of this variant in disease. Therefore, it has been classified as a Variant of Uncertain Significance. Experimental studies and prediction algorithms are not available or were not evaluated, and the functional significance of this variant is currently unknown. This variant has not been reported in the literature in individuals with PHKA2-related conditions. This variant is not present in population databases (ExAC no frequency). This sequence change results in a frameshift in the PHKA2 gene (p.Thr1216Lysfs*68). While this is not anticipated to result in nonsense mediated decay, it is expected to disrupt the last 20 amino acid(s) of the PHKA2 protein and extend the protein by 47 additional amino acid residues.

Revvity Omics, Revvity
Classification: Likely pathogenic for Glycogen storage disease IXa1. Last evaluated: 2019-06-04. Review status: criteria provided, single submitter. Criteria: ACMG Guidelines, 2015. Collection method: clinical testing. Allele origin: germline.

NM_000292.3(PHKA2):c.3645_3646dup (p.Thr1216fs)

Genes: PHKA2-AS1 (PHKA2 antisense RNA 1; plus strand), PHKA2 (phosphorylase kinase regulatory subunit alpha 2; minus strand). Cytogenetic location: Xp22.13.
Variant type: Duplication.
Coding change: c.3645_3646dup on transcript NM_000292.3 (MANE Select); coding-DNA positions 3645 to 3646, 2 bases duplicated (AA; older notation c.3645_3646dupAA).
Protein change: p.Thr1216fs; shifts the reading frame from threonine 1216.
Molecular consequence: frameshift variant.
Genome position (GRCh38, 1-based): chrX:18,893,547-18,893,548, TT duplicated on the plus strand (AA on the coding strand, the reverse complement: PHKA2 is on the minus strand). VCF-style (leftmost placement, unchanged base first): chrX-18893546-G-GTT. GRCh37 (hg19) VCF-style: chrX-18911664-G-GTT.
Other names: short protein forms T1216fs.
Identifiers: ClinVar variation 1324893 (VCV001324893.9), dbSNP rs2147799052, ClinGen allele CA2573055201.